The following is an entry in ClinVar:

ClinVar aggregate classification (germline): Uncertain significance. Review status: criteria provided, multiple submitters, no conflicts (2 of 4 stars). 2 submissions from 2 submitters: Uncertain significance (2). Last evaluated 2025-05-29.

Conditions:
Primary dilated cardiomyopathy (DCM). Also called: Dilated Cardiomyopathy. Identifiers: Orphanet 217604, MedGen C0007193, MeSH D002311, MONDO:0005021, HP:0001644. Inheritance: Various modes of inheritance.
Hypertrophic cardiomyopathy. Also called: HYPERTROPHIC MYOCARDIOPATHY. Identifiers: Orphanet 217569, MedGen C0007194, MeSH D002312, MONDO:0005045, HP:0001639.

Allele frequency attached by ClinVar (database versions not stated): gnomAD exomes below 0.00001.
gnomAD v4.1: 2 of 1,613,716 alleles (0.00012%); highest among the groups gnomAD compares: South Asian, 0.0011%; no homozygotes.

Submissions (2):

Labcorp Genetics (formerly Invitae), Labcorp
Classification: Uncertain significance for Hypertrophic cardiomyopathy; Primary dilated cardiomyopathy. Last evaluated: 2025-05-29. Review status: criteria provided, single submitter. Criteria: Invitae Variant Classification Sherloc (09022015). Collection method: clinical testing. Allele origin: germline.
Comment: This sequence change replaces leucine, which is neutral and non-polar, with phenylalanine, which is neutral and non-polar, at codon 256 of the PDLIM3 protein (p.Leu256Phe). This variant is not present in population databases (gnomAD no frequency). This variant has not been reported in the literature in individuals affected with PDLIM3-related conditions. ClinVar contains an entry for this variant (Variation ID: 2511749). Invitae Evidence Modeling of protein sequence and biophysical properties (such as structural, functional, and spatial information, amino acid conservation, physicochemical variation, residue mobility, and thermodynamic stability) has been performed for this missense variant. However, the output from this modeling did not meet the statistical confidence thresholds required to predict the impact of this variant on PDLIM3 protein function. In summary, the available evidence is currently insufficient to determine the role of this variant in disease. Therefore, it has been classified as a Variant of Uncertain Significance.

Ambry Genetics
Classification: Uncertain significance. Last evaluated: 2024-09-05. Review status: criteria provided, single submitter. Criteria: Ambry Variant Classification Scheme 2023. Collection method: clinical testing. Allele origin: germline.
Comment: The p.L256F variant (also known as c.766C>T), located in coding exon 6 of the PDLIM3 gene, results from a C to T substitution at nucleotide position 766. The leucine at codon 256 is replaced by phenylalanine, an amino acid with highly similar properties. This amino acid position is conserved. In addition, the in silico prediction for this alteration is inconclusive. Based on the available evidence, the clinical significance of this variant remains unclear.

NM_014476.6(PDLIM3):c.766C>T (p.Leu256Phe)

Gene: PDLIM3 (PDZ and LIM domain 3; minus strand). Cytogenetic location: 4q35.1.
Variant type: single nucleotide variant.
Coding change: c.766C>T on transcript NM_014476.6 (MANE Select); coding-DNA position 766, C replaced by T.
Protein change: p.Leu256Phe; replaces leucine 256 with phenylalanine.
Molecular consequence: missense variant. On other transcripts: non-coding transcript variant (1).
Genome position (GRCh38, 1-based): chr4:185,506,549, G>A on the plus strand (C>T on the coding strand, the complement: PDLIM3 is on the minus strand). VCF-style: chr4-185506549-G-A. GRCh37 (hg19) VCF-style: chr4-186427703-G-A.
Other names: c.622C>T, p.Leu208Phe (NM_001114107.5); c.502C>T, p.Leu168Phe (NM_001257962.2); c.265C>T, p.Leu89Phe (NM_001257963.2); short protein forms L89F, L168F, L208F, L256F.
Identifiers: ClinVar variation 2511749 (VCV002511749.4), dbSNP rs2478330740, ClinGen allele CA358922549.